The following is an entry in ClinVar:

ClinVar aggregate classification (germline): Uncertain significance. Review status: criteria provided, multiple submitters, no conflicts (2 of 4 stars). 2 submissions from 2 submitters: Uncertain significance (2). Last evaluated 2025-06-03.

Conditions:
Cranium bifidum occultum. Also called: CATLIN MARKS; CRANIUM BIFIDUM, HEREDITARY; Enlarged Parietal Foramina. Identifiers: MedGen C1868598, HP:0004423.
Inborn genetic diseases. Identifiers: MedGen C0950123, MeSH D030342.

Submissions (2):

Ambry Genetics
Classification: Uncertain significance for Inborn genetic diseases. Last evaluated: 2025-06-03. Review status: criteria provided, single submitter. Criteria: Ambry Variant Classification Scheme 2023. Collection method: clinical testing. Allele origin: germline.

Labcorp Genetics (formerly Invitae), Labcorp
Classification: Uncertain significance for Cranium bifidum occultum. Last evaluated: 2024-07-15. Review status: criteria provided, single submitter. Criteria: Invitae Variant Classification Sherloc (09022015). Collection method: clinical testing. Allele origin: germline.
Comment: This sequence change replaces proline, which is neutral and non-polar, with leucine, which is neutral and non-polar, at codon 229 of the MSX2 protein (p.Pro229Leu). This variant is present in population databases (no rsID available, gnomAD 0.007%). This variant has not been reported in the literature in individuals affected with MSX2-related conditions. ClinVar contains an entry for this variant (Variation ID: 2319976). Advanced modeling of protein sequence and biophysical properties (such as structural, functional, and spatial information, amino acid conservation, physicochemical variation, residue mobility, and thermodynamic stability) performed at Invitae indicates that this missense variant is not expected to disrupt MSX2 protein function with a negative predictive value of 80%. In summary, the available evidence is currently insufficient to determine the role of this variant in disease. Therefore, it has been classified as a Variant of Uncertain Significance.

NM_002449.5(MSX2):c.686C>T (p.Pro229Leu)

Gene: MSX2 (msh homeobox 2; plus strand). Cytogenetic location: 5q35.2.
Variant type: single nucleotide variant.
Coding change: c.686C>T on transcript NM_002449.5 (MANE Select); coding-DNA position 686, C replaced by T.
Protein change: p.Pro229Leu; replaces proline 229 with leucine.
Molecular consequence: missense variant. On other transcripts: 3 prime UTR variant (1).
Genome position (GRCh38, 1-based): chr5:174,729,465, C>T. VCF-style: chr5-174729465-C-T. GRCh37 (hg19) VCF-style: chr5-174156468-C-T.
Other names: c.*310C>T (NM_001363626.2); short protein forms P229L.
Identifiers: ClinVar variation 2319976 (VCV002319976.5), dbSNP rs1287374727, ClinGen allele CA362230418.